The following is an entry in ClinVar:

ClinVar aggregate classification (germline): Pathogenic. Review status: reviewed by expert panel (3 of 4 stars). 8 submissions from 8 submitters: Pathogenic (1). 7 of the submissions do not count toward it. Last evaluated 2016-10-18.

Conditions:
Hereditary cancer-predisposing syndrome. Also called: Neoplastic Syndromes, Hereditary; Tumor predisposition; Hereditary neoplastic syndrome; Hereditary Cancer Syndrome. Identifiers: Orphanet 140162, MedGen C0027672, MeSH D009386, MONDO:0015356.
Hereditary breast ovarian cancer syndrome. Also called: Hereditary breast and ovarian cancer syndrome; Hereditary breast and ovarian cancer; Hereditary breast and ovarian cancer syndrome (HBOC); Breast and ovarian cancer; Hereditary breast and/or ovarian cancer syndrome; BRCA1- and BRCA2-Associated Hereditary Breast and Ovarian Cancer. Identifiers: Orphanet 145, MedGen C0677776, MeSH D061325, MONDO:0003582. Disease mechanism: loss of function.
Familial cancer of breast. Also called: BREAST CANCER, FAMILIAL; Hereditary breast cancer; hereditary breast carcinoma. Identifiers: Orphanet 227535, MedGen C0346153, MONDO:0016419, OMIM 114480. Disease mechanism: loss of function.
Breast-ovarian cancer, familial, susceptibility to, 2 (BROVCA2). Also called: BRCA2 Hereditary Breast and Ovarian Cancer. Identifiers: Orphanet 145, MedGen C2675520, MONDO:0012933, OMIM 612555. Disease mechanism: loss of function.

Submissions (8):

Evidence-based Network for the Interpretation of Germline Mutant Alleles (ENIGMA)
Classification: Pathogenic for Breast-ovarian cancer, familial, susceptibility to, 2. Last evaluated: 2016-10-18. Review status: reviewed by expert panel. Criteria: ENIGMA BRCA1/2 Classification Criteria (2015). Collection method: curation. Allele origin: germline.
Comment: Variant allele predicted to encode a truncated non-functional protein.

Labcorp Genetics (formerly Invitae), Labcorp
Classification: Pathogenic for Hereditary breast ovarian cancer syndrome. Last evaluated: 2024-07-16. Review status: criteria provided, single submitter. Criteria: Invitae Variant Classification Sherloc (09022015). Collection method: clinical testing. Allele origin: germline. Not counted in ClinVar's aggregate classification.
Comment: This sequence change creates a premature translational stop signal (p.Lys2674Argfs*2) in the BRCA2 gene. It is expected to result in an absent or disrupted protein product. Loss-of-function variants in BRCA2 are known to be pathogenic (PMID: 20104584). This variant is not present in population databases (gnomAD no frequency). This premature translational stop signal has been observed in individual(s) with BRCA2-related conditions (PMID: 21120943, 28664449, 28947987, 30702160). This variant is also known as 8020delA. ClinVar contains an entry for this variant (Variation ID: 52474). For these reasons, this variant has been classified as Pathogenic.

Baylor Genetics
Classification: Pathogenic for Familial cancer of breast. Last evaluated: 2023-12-19. Review status: criteria provided, single submitter. Criteria: ACMG Guidelines, 2015. Collection method: clinical testing. Allele origin: unknown. Not counted in ClinVar's aggregate classification.

Laboratory for Molecular Medicine, Mass General Brigham Personalized Medicine
Classification: Pathogenic for Hereditary breast ovarian cancer syndrome. Last evaluated: 2023-09-13. Review status: criteria provided, single submitter. Criteria: ACMG Guidelines, 2015. Collection method: clinical testing. Allele origin: germline. Not counted in ClinVar's aggregate classification.
Comment: The p.Lys2674ArgfsX2 variant in BRCA2 has been identified in at least 4 individuals with BRCA2-associated cancers (Caux-Moncoutier 2011 PMID: 21120943, Li 2017 PMID: 28664449, Solano 2017 PMID: 28947987, Bhaskaran 2019 PMID: 30702160), and in 6 individuals at increased risk of breast and/or ovarian cancer that have undergone genetic testing that includes BRCA1/2 (Tea 2014 PMID: 24156927, Rebbeck 2018 PMID:29446198). It was absent from large population studies (gnomAD, v.3.1.2). This variant is predicted to cause a frameshift, which alters the protein’s amino acid sequence beginning at position 2674 and leads to a premature termination codon 2 amino acids downstream. This alteration is then predicted to lead to a truncated or absent protein. Heterozygous loss of function of the BRCA2 gene is an established disease mechanism for hereditary breast and ovarian cancer (HBOC). Additionally, this variant was classified as pathogenic on Oct 18, 2016 by the ClinGen-approved ENIGMA expert panel (Variation ID: Variation ID 52474). In summary, this variant meets criteria to be classified as pathogenic for autosomal dominant HBOC. ACMG/AMP criteria applied: PS4_Moderate, PM2_Supporting, PVS1.

Ambry Genetics
Classification: Pathogenic for Hereditary cancer-predisposing syndrome. Last evaluated: 2022-11-14. Review status: criteria provided, single submitter. Criteria: Ambry Variant Classification Scheme 2023. Collection method: clinical testing. Allele origin: germline. Not counted in ClinVar's aggregate classification.
Comment: The c.8021delA pathogenic mutation, located in coding exon 17 of the BRCA2 gene, results from a deletion of one nucleotide at nucleotide position 8021, causing a translational frameshift with a predicted alternate stop codon (p.K2674Rfs*2). This alteration has been identified in patients of varying ancestries, including in a large, worldwide study of BRCA1/2 mutation positive families (Caux-Moncoutier V et al. Hum. Mutat., 2011 Mar;32:325-34; Li G et al. J. Cancer Res. Clin. Oncol., 2017 Oct;143:2011-2024; Rebbeck TR et al. Hum. Mutat., 2018 05;39:593-620; Solano AR et al. Oncotarget, 2017 Sep;8:60487-60495; Tea MK et al. Maturitas, 2014 Jan;77:68-72). This variant is considered to be rare based on population cohorts in the Genome Aggregation Database (gnomAD). In addition to the clinical data presented in the literature, this alteration is expected to result in loss of function by premature protein truncation or nonsense-mediated mRNA decay. As such, this alteration is interpreted as a disease-causing mutation.

Women's Health and Genetics/Laboratory Corporation of America, LabCorp
Classification: Pathogenic for Hereditary breast and ovarian cancer syndrome. Last evaluated: 2019-09-26. Review status: criteria provided, single submitter. Criteria: LabCorp Variant Classification Summary - May 2015. Collection method: clinical testing. Allele origin: germline. Not counted in ClinVar's aggregate classification.
Comment: Variant summary: BRCA2 c.8021delA (p.Lys2674ArgfsX2) results in a premature termination codon, predicted to cause a truncation of the encoded protein or absence of the protein due to nonsense mediated decay, which are commonly known mechanisms for disease. Truncations downstream of this position have been classified as pathogenic by our laboratory. The variant was absent in 250930 control chromosomes (gnomAD). c.8021delA has been reported in the literature in multiple individuals affected with Hereditary Breast and Ovarian Cancer (Rebbeck_2018, Li_2017). These data indicate that the variant is very likely to be associated with disease. To our knowledge, no experimental evidence demonstrating an impact on protein function has been reported. Two ClinVar submissions including an expert panel, ENIGMA, (evaluation after 2014) cite the variant as pathogenic. Based on the evidence outlined above, the variant was classified as pathogenic.

Consortium of Investigators of Modifiers of BRCA1/2 (CIMBA), c/o University of Cambridge
Classification: Pathogenic for Breast-ovarian cancer, familial, susceptibility to, 2. Last evaluated: 2015-10-02. Review status: criteria provided, single submitter. Criteria: CIMBA Mutation Classification guidelines May 2016. Collection method: clinical testing. Allele origin: germline. Not counted in ClinVar's aggregate classification.

Sharing Clinical Reports Project (SCRP)
Classification: Pathogenic for Breast-ovarian cancer, familial 2. Last evaluated: 2013-08-12. Review status: no assertion criteria provided. Collection method: clinical testing. Allele origin: germline. Not counted in ClinVar's aggregate classification.

Literature cited by the submitters: PubMed 20104584 (cited by Labcorp Genetics (formerly Invitae), Labcorp); PubMed 21120943 (cited by 3 submitters); PubMed 28664449 (cited by 4 submitters); PubMed 28947987 (cited by 3 submitters); PubMed 30702160 (cited by 3 submitters); PubMed 29446198 (cited by 3 submitters); PubMed 24156927 (cited by Laboratory for Molecular Medicine, Mass General Brigham Personalized Medicine and Ambry Genetics).

NM_000059.4(BRCA2):c.8021del (p.Lys2674fs)

Gene: BRCA2 (BRCA2 DNA repair associated; plus strand). Cytogenetic location: 13q13.1.
Variant type: Deletion.
Coding change: c.8021del on transcript NM_000059.4 (MANE Select); coding-DNA position 8021, one base deleted (A; older notation c.8021delA).
Protein change: p.Lys2674fs; shifts the reading frame from lysine 2674.
Molecular consequence: frameshift variant.
Genome position (GRCh38, 1-based): chr13:32,363,223, A deleted; the last of 6 consecutive A bases (chr13:32,363,218-32,363,223); deleting any one gives the same sequence. VCF-style (leftmost placement, unchanged base first): chr13-32363217-TA-T. GRCh37 (hg19) VCF-style: chr13-32937354-TA-T.
Other names: 8249delA; c.8021delA (NM_000059.3).
Identifiers: ClinVar variation 52474 (VCV000052474.18), dbSNP rs397507952, ClinGen allele CA025409.